The following is an entry in ClinVar:

ClinVar aggregate classification (germline): Uncertain significance. Review status: criteria provided, multiple submitters, no conflicts (2 of 4 stars). 2 submissions from 2 submitters: Uncertain significance (2). Last evaluated 2024-12-13.

Allele frequency attached by ClinVar (database versions not stated): gnomAD 0.00001; gnomAD exomes 0.00001; TOPMed 0.00001; ExAC 0.00003.
gnomAD v4.1: 9 of 1,613,420 alleles (0.00056%); highest among the groups gnomAD compares: Admixed American, 0.0017%; no homozygotes.

Submissions (2):

Ambry Genetics
Classification: Uncertain significance. Last evaluated: 2024-12-13. Review status: criteria provided, single submitter. Criteria: Ambry Variant Classification Scheme 2023. Collection method: clinical testing. Allele origin: germline.
Comment: The p.I621T variant (also known as c.1862T>C), located in coding exon 19 of the RASA2 gene, results from a T to C substitution at nucleotide position 1862. The isoleucine at codon 621 is replaced by threonine, an amino acid with similar properties. This amino acid position is conserved. In addition, the in silico prediction for this alteration is inconclusive. Since supporting evidence is limited at this time, the clinical significance of this alteration remains unclear.

Labcorp Genetics (formerly Invitae), Labcorp
Classification: Uncertain significance. Last evaluated: 2024-05-27. Review status: criteria provided, single submitter. Criteria: Invitae Variant Classification Sherloc (09022015). Collection method: clinical testing. Allele origin: germline.
Comment: This sequence change replaces isoleucine, which is neutral and non-polar, with threonine, which is neutral and polar, at codon 621 of the RASA2 protein (p.Ile621Thr). This variant is present in population databases (rs773589031, gnomAD 0.003%). This variant has not been reported in the literature in individuals affected with RASA2-related conditions. ClinVar contains an entry for this variant (Variation ID: 1781531). Advanced modeling of protein sequence and biophysical properties (such as structural, functional, and spatial information, amino acid conservation, physicochemical variation, residue mobility, and thermodynamic stability) performed at Invitae indicates that this missense variant is not expected to disrupt RASA2 protein function with a negative predictive value of 80%. In summary, the available evidence is currently insufficient to determine the role of this variant in disease. Therefore, it has been classified as a Variant of Uncertain Significance.

NM_006506.5(RASA2):c.1862T>C (p.Ile621Thr)

Gene: RASA2 (RAS p21 protein activator 2; plus strand). Cytogenetic location: 3q23.
Variant type: single nucleotide variant.
Coding change: c.1862T>C on transcript NM_006506.5 (MANE Select); coding-DNA position 1862, T replaced by C.
Protein change: p.Ile621Thr; replaces isoleucine 621 with threonine.
Molecular consequence: missense variant.
Genome position (GRCh38, 1-based): chr3:141,586,681, T>C. VCF-style: chr3-141586681-T-C. GRCh37 (hg19) VCF-style: chr3-141305523-T-C.
Other names: c.1862T>C, p.Ile621Thr (NM_001303245.3, NM_001303246.3); short protein forms I621T.
Identifiers: ClinVar variation 1781531 (VCV001781531.8), dbSNP rs773589031, ClinGen allele CA2645646.